The following is an entry in ClinVar:

ClinVar aggregate classification (germline): Uncertain significance. Review status: criteria provided, multiple submitters, no conflicts (2 of 4 stars). 2 submissions from 2 submitters: Uncertain significance (2). Last evaluated 2025-12-15.

Conditions:
Autosomal recessive ataxia, Beauce type. Also called: Spinocerebellar ataxia, autosomal recessive 8; ATAXIA, RECESSIVE, OF BEAUCE; SYNE1-Related Autosomal Recessive Cerebellar Ataxia; SYNE1 Deficiency. Identifiers: Orphanet 88644, MedGen C1853116, MONDO:0012549, OMIM 610743.
Emery-Dreifuss muscular dystrophy 4, autosomal dominant (EDMD4). Also called: EMERY-DREIFUSS MUSCULAR DYSTROPHY 4 WITH VARIABLE FEATURES. Identifiers: Orphanet 261, MedGen C2751807, MONDO:0013071, OMIM 612998.

Allele frequency attached by ClinVar (database versions not stated): gnomAD 0.00002; ExAC 0.00003; gnomAD exomes 0.00003 and 0.00004; TOPMed 0.00004; ESP Exome Variant Server 0.00008.
gnomAD v4.1: 61 of 1,613,780 alleles (0.0038%); highest among the groups gnomAD compares: Non-Finnish European, 0.0048%; no homozygotes.

Submissions (2):

Labcorp Genetics (formerly Invitae), Labcorp
Classification: Uncertain significance for Emery-Dreifuss muscular dystrophy 4, autosomal dominant; Autosomal recessive ataxia, Beauce type. Last evaluated: 2025-12-15. Review status: criteria provided, single submitter. Criteria: Invitae Variant Classification Sherloc (09022015). Collection method: clinical testing. Allele origin: germline.
Comment: This sequence change replaces leucine, which is neutral and non-polar, with glutamine, which is neutral and polar, at codon 2101 of the SYNE1 protein (p.Leu2101Gln). This variant is present in population databases (rs201747340, gnomAD 0.005%). This variant has not been reported in the literature in individuals affected with SYNE1-related conditions. ClinVar contains an entry for this variant (Variation ID: 872669). An algorithm developed to predict the effect of missense changes on protein structure and function (PolyPhen-2) suggests that this variant is likely to be tolerated. In summary, the available evidence is currently insufficient to determine the role of this variant in disease. Therefore, it has been classified as a Variant of Uncertain Significance.

CeGaT Center for Human Genetics Tuebingen
Classification: Uncertain significance. Last evaluated: 2019-10-01. Review status: criteria provided, single submitter. Criteria: CeGaT Center For Human Genetics Tuebingen Variant Classification Criteria Version 2. Collection method: clinical testing. Allele origin: germline. Affected: yes. Observed: 1 variant allele.

NM_182961.4(SYNE1):c.6281T>A (p.Leu2094Gln)

Gene: SYNE1 (spectrin repeat containing nuclear envelope protein 1; minus strand). Cytogenetic location: 6q25.2.
Variant type: single nucleotide variant.
Coding change: c.6281T>A on transcript NM_182961.4 (MANE Select); coding-DNA position 6281, T replaced by A.
Protein change: p.Leu2094Gln; replaces leucine 2094 with glutamine.
Molecular consequence: missense variant.
Genome position (GRCh38, 1-based): chr6:152,409,659, A>T on the plus strand (T>A on the coding strand, the complement: SYNE1 is on the minus strand). VCF-style: chr6-152409659-A-T. GRCh37 (hg19) VCF-style: chr6-152730794-A-T.
Other names: c.6302T>A, p.Leu2101Gln (NM_033071.5); short protein forms L2094Q, L2101Q.
Identifiers: ClinVar variation 872669 (VCV000872669.43), dbSNP rs201747340, ClinGen allele CA4058119.